The following is an entry in ClinVar:

NM_002294.3(LAMP2):c.1000G>C (p.Glu334Gln)

Gene: LAMP2 (lysosome associated membrane protein 2; minus strand). Cytogenetic location: Xq24.
Variant type: single nucleotide variant.
Coding change: c.1000G>C on transcript NM_002294.3 (MANE Select); coding-DNA position 1000, G replaced by C.
Protein change: p.Glu334Gln; replaces glutamic acid 334 with glutamine.
Molecular consequence: missense variant.
Genome position (GRCh38, 1-based): chrX:120,441,823, C>G on the plus strand (G>C on the coding strand, the complement: LAMP2 is on the minus strand). VCF-style: chrX-120441823-C-G. GRCh37 (hg19) VCF-style: chrX-119575678-C-G.
Other names: c.1000G>C, p.Glu334Gln (NM_001122606.1, NM_013995.2); short protein forms E334Q.
Identifiers: ClinVar variation 449177 (VCV000449177.20), dbSNP rs766962315, ClinGen allele CA10505217.

ClinVar aggregate classification (germline): Conflicting classifications of pathogenicity. Review status: criteria provided, conflicting classifications (1 of 4 stars). 5 submissions from 5 submitters: Uncertain significance (3); Benign (1); Likely benign (1). Last evaluated 2025-09-27.

Conditions:
Cardiovascular phenotype. Identifiers: MedGen CN230736.
Danon disease. Also called: PSEUDOGLYCOGENOSIS II; GSD IIb; LYSOSOMAL GLYCOGEN STORAGE DISEASE WITHOUT ACID MALTASE DEFICIENCY; Glycogen Storage Disease Type IIb; ANTOPOL DISEASE. Identifiers: Orphanet 34587, MedGen C0878677, MONDO:0010281, OMIM 300257.

Allele frequency attached by ClinVar (database versions not stated): ExAC 0.00002; gnomAD exomes 0.00002; TOPMed 0.00002; gnomAD 0.00003.
gnomAD v4.1: 23 of 1,205,733 alleles (0.0019%); highest among the groups gnomAD compares: Non-Finnish European, 0.0016%; no homozygotes.

Submissions (5):

Labcorp Genetics (formerly Invitae), Labcorp
Classification: Likely benign for Danon disease. Last evaluated: 2025-09-27. Review status: criteria provided, single submitter. Criteria: Invitae Variant Classification Sherloc (09022015). Collection method: clinical testing. Allele origin: germline.

Revvity Omics, Revvity
Classification: Uncertain significance for Danon disease. Last evaluated: 2024-05-13. Review status: criteria provided, single submitter. Criteria: ACMG Guidelines, 2015. Collection method: clinical testing. Allele origin: germline.

Ambry Genetics
Classification: Uncertain significance for Cardiovascular phenotype. Last evaluated: 2020-09-08. Review status: criteria provided, single submitter. Criteria: Ambry Variant Classification Scheme 2023. Collection method: clinical testing. Allele origin: germline.
Comment: The p.E334Q variant (also known as c.1000G>C), located in coding exon 8 of the LAMP2 gene, results from a G to C substitution at nucleotide position 1000. The glutamic acid at codon 334 is replaced by glutamine, an amino acid with highly similar properties. Based on data from gnomAD, the C allele has an overall frequency of 0.002% (4/205486) total alleles studied. The highest observed frequency was 0.026% (2/7667) of Ashkenazi Jewish alleles, including 4 hemizygotes. This amino acid position is highly conserved in available vertebrate species. In addition, the in silico prediction for this alteration is inconclusive. Since supporting evidence is limited at this time, the clinical significance of this alteration remains unclear.

Illumina Laboratory Services, Illumina
Classification: Benign for Danon disease. Last evaluated: 2018-01-13. Review status: criteria provided, single submitter. Criteria: ICSL Variant Classification Criteria 13 December 2019. Collection method: clinical testing. Allele origin: germline.
Comment: This variant was observed in the ICSL laboratory as part of a predisposition screen in an ostensibly healthy population. It had not been previously curated by ICSL or reported in the Human Gene Mutation Database (HGMD: prior to June 1st, 2018), and was therefore a candidate for classification through an automated scoring system. Utilizing variant allele frequency, disease prevalence and penetrance estimates, and inheritance mode, an automated score was calculated to assess if this variant is too frequent to cause the disease. Based on the score and internal cut-off values, a variant classified as benign is not then subjected to further curation. The score for this variant resulted in a classification of benign for this disease.

GeneDx
Classification: Uncertain significance. Last evaluated: 2016-08-12. Review status: criteria provided, single submitter. Criteria: GeneDx Variant Classification (06012015). Collection method: clinical testing. Allele origin: germline. Affected: yes.
Comment: A variant of uncertain significance has been identified in the LAMP2 gene. The E334Q variant has not been published as a pathogenic variant, nor has it been reported as a benign variant to our knowledge. This variant was not observed in approximately 6,500 individuals of European and African American ancestry in an external variant database, indicating it is not a common benign variant in these populations. The E334Q variant is a semi-conservative amino acid substitution, which may impact secondary protein structure as these residues differ in some properties. In addition, this substitution occurs at a position that is conserved across species and in silico analysis predicts this variant is probably damaging to the protein structure/function. However, no missense variants in nearby residues have been reported in the Human Gene Mutation Database (Stenson et al., 2014).